The following is an entry in ClinVar:

ClinVar aggregate classification (germline): Uncertain significance (1 of 4 stars; one submission).

Conditions:
DNA ligase IV deficiency. Identifiers: Orphanet 99812, MedGen C1847827, MONDO:0011686, OMIM 606593.

Allele frequency attached by ClinVar (database versions not stated): gnomAD 0.00001; gnomAD exomes 0.00002 and 0.00009; TOPMed 0.00003; ExAC 0.00005.

Submission:

Labcorp Genetics (formerly Invitae), Labcorp
Classification: Uncertain significance for DNA ligase IV deficiency. Last evaluated: 2022-08-22. Review status: criteria provided, single submitter. Criteria: Invitae Variant Classification Sherloc (09022015). Collection method: clinical testing. Allele origin: germline.
Comment: This sequence change replaces lysine, which is basic and polar, with glutamic acid, which is acidic and polar, at codon 733 of the LIG4 protein (p.Lys733Glu). This variant is present in population databases (rs762817407, gnomAD 0.1%). This variant has not been reported in the literature in individuals affected with LIG4-related conditions. ClinVar contains an entry for this variant (Variation ID: 834564). Algorithms developed to predict the effect of missense changes on protein structure and function (SIFT, PolyPhen-2, Align-GVGD) all suggest that this variant is likely to be tolerated. In summary, the available evidence is currently insufficient to determine the role of this variant in disease. Therefore, it has been classified as a Variant of Uncertain Significance.

NM_206937.2(LIG4):c.2197A>G (p.Lys733Glu)

Gene: LIG4 (DNA ligase 4; minus strand). Cytogenetic location: 13q33.3.
Variant type: single nucleotide variant.
Coding change: c.2197A>G on transcript NM_206937.2 (MANE Select); coding-DNA position 2197, A replaced by G.
Protein change: p.Lys733Glu; replaces lysine 733 with glutamic acid.
Molecular consequence: missense variant.
Genome position (GRCh38, 1-based): chr13:108,209,072, T>C on the plus strand (A>G on the coding strand, the complement: LIG4 is on the minus strand). VCF-style: chr13-108209072-T-C. GRCh37 (hg19) VCF-style: chr13-108861420-T-C.
Other names: c.2197A>G, p.Lys733Glu (NM_001098268.2, NM_001352598.2, NM_001352599.2 and 6 more transcripts); c.1996A>G, p.Lys666Glu (NM_001330595.2); c.2233A>G, p.Lys745Glu (NM_001352604.2); short protein forms K666E, K745E, K733E.
Identifiers: ClinVar variation 834564 (VCV000834564.7), dbSNP rs762817407, ClinGen allele CA7043547.